The following is an entry in ClinVar:

ClinVar aggregate classification (germline): Uncertain significance. Review status: criteria provided, multiple submitters, no conflicts (2 of 4 stars). 2 submissions from 2 submitters: Uncertain significance (2). Last evaluated 2026-03-11.

Conditions:
Shprintzen-Goldberg syndrome (SGS). Also called: SHPRINTZEN-GOLDBERG CRANIOSYNOSTOSIS SYNDROME; CRANIOSYNOSTOSIS WITH ARACHNODACTYLY AND ABDOMINAL HERNIAS; Marfanoid disorder with craniosynostosis type 1; Marfanoid craniosynostosis syndrome; Shprintzen-Goldberg marfanoid syndrome. Identifiers: Orphanet 2462, MedGen C1321551, MONDO:0008426, OMIM 182212.
Familial thoracic aortic aneurysm and aortic dissection (TAAD). Also called: Thoracic aortic aneurysms and dissections. Identifiers: Orphanet 91387, MedGen C4707243, MONDO:0019625.

Allele frequency attached by ClinVar (database versions not stated): TOPMed below 0.00001; gnomAD 0.00001.
gnomAD v4.1: 1 of 1,610,066 alleles (0.000062%); highest among the groups gnomAD compares: African/African-American, 0.0013%; no homozygotes.

Submissions (2):

Ambry Genetics
Classification: Uncertain significance for Familial thoracic aortic aneurysm and aortic dissection. Last evaluated: 2026-03-11. Review status: criteria provided, single submitter. Criteria: Ambry Variant Classification Scheme 2023. Collection method: clinical testing. Allele origin: germline.
Comment: The c.340G>A (p.V114M) alteration is located in exon 1 (coding exon 1) of the SKI gene. This alteration results from a G to A substitution at nucleotide position 340, causing the valine (V) at amino acid position 114 to be replaced by a methionine (M). Based on data from gnomAD, the A allele has an overall frequency of 0.003% (1/31330) total alleles studied. The highest observed frequency was 0.012% (1/8692) of African alleles. Based on insufficient or conflicting evidence, the clinical significance of this alteration remains unclear.

Labcorp Genetics (formerly Invitae), Labcorp
Classification: Uncertain significance for Shprintzen-Goldberg syndrome. Last evaluated: 2021-09-28. Review status: criteria provided, single submitter. Criteria: Invitae Variant Classification Sherloc (09022015). Collection method: clinical testing. Allele origin: germline.
Comment: In summary, the available evidence is currently insufficient to determine the role of this variant in disease. Therefore, it has been classified as a Variant of Uncertain Significance. Advanced modeling of protein sequence and biophysical properties (such as structural, functional, and spatial information, amino acid conservation, physicochemical variation, residue mobility, and thermodynamic stability) performed at Invitae indicates that this missense variant is not expected to disrupt SKI protein function. This variant has not been reported in the literature in individuals affected with SKI-related conditions. This variant is not present in population databases (ExAC no frequency). This sequence change replaces valine with methionine at codon 114 of the SKI protein (p.Val114Met). The valine residue is moderately conserved and there is a small physicochemical difference between valine and methionine.

NM_003036.4(SKI):c.340G>A (p.Val114Met)

Gene: SKI (SKI proto-oncogene; plus strand). Cytogenetic location: 1p36.33.
Variant type: single nucleotide variant.
Coding change: c.340G>A on transcript NM_003036.4 (MANE Select); coding-DNA position 340, G replaced by A.
Protein change: p.Val114Met; replaces valine 114 with methionine.
Molecular consequence: missense variant.
Genome position (GRCh38, 1-based): chr1:2,229,106, G>A. VCF-style: chr1-2229106-G-A. GRCh37 (hg19) VCF-style: chr1-2160545-G-A.
Other names: c.340G>A (NM_003036.3); short protein forms V114M.
Identifiers: ClinVar variation 1423894 (VCV001423894.8), dbSNP rs1165144413, ClinGen allele CA337952677.